The following is an entry in ClinVar:

ClinVar aggregate classification (germline): Uncertain significance. Review status: criteria provided, multiple submitters, no conflicts (2 of 4 stars). 2 submissions from 2 submitters: Uncertain significance (2). Last evaluated 2024-07-30.

Conditions:
Amyotrophic lateral sclerosis type 1 (ALS1). Also called: AMYOTROPHIC LATERAL SCLEROSIS 1, FAMILIAL. Identifiers: Orphanet 803, MedGen C1862939, MONDO:0007103, OMIM 105400.
Neuronopathy, distal hereditary motor, type 7B. Also called: HMN VIIB; LOWER MOTOR NEURON DISEASE, DYNACTIN TYPE; NEURONOPATHY, DISTAL HEREDITARY MOTOR, AUTOSOMAL DOMINANT 14; NEURONOPATHY, DISTAL HEREDITARY MOTOR, HARDING TYPE VIIB; NEUROPATHY, DISTAL HEREDITARY MOTOR, HARDING TYPE VIIB; NEUROPATHY, DISTAL HEREDITARY MOTOR, WITH VOCAL CORD PARALYSIS, HARDING TYPE VIIB. Identifiers: Orphanet 139589, MedGen C1843315, MONDO:0011879, OMIM 607641.
Perry syndrome. Also called: PARKINSONISM WITH ALVEOLAR HYPOVENTILATION AND MENTAL DEPRESSION. Identifiers: Orphanet 178509, MedGen C1868594, MONDO:0008201, OMIM 168605.
Inborn genetic diseases. Identifiers: MedGen C0950123, MeSH D030342.

Allele frequency attached by ClinVar (database versions not stated): ExAC 0.00001; gnomAD exomes 0.00001.
gnomAD v4.1: 3 of 1,613,932 alleles (0.00019%); highest among the groups gnomAD compares: Non-Finnish European, 0.00025%; no homozygotes.

Submissions (2):

Ambry Genetics
Classification: Uncertain significance for Inborn genetic diseases. Last evaluated: 2024-07-30. Review status: criteria provided, single submitter. Criteria: Ambry Variant Classification Scheme 2023. Collection method: clinical testing. Allele origin: germline.

Labcorp Genetics (formerly Invitae), Labcorp
Classification: Uncertain significance for Amyotrophic lateral sclerosis type 1; Neuronopathy, distal hereditary motor, type 7B; Perry syndrome. Last evaluated: 2023-08-28. Review status: criteria provided, single submitter. Criteria: Invitae Variant Classification Sherloc (09022015). Collection method: clinical testing. Allele origin: germline.
Comment: In summary, the available evidence is currently insufficient to determine the role of this variant in disease. Therefore, it has been classified as a Variant of Uncertain Significance. Algorithms developed to predict the effect of sequence changes on RNA splicing suggest that this variant may create or strengthen a splice site. Advanced modeling of protein sequence and biophysical properties (such as structural, functional, and spatial information, amino acid conservation, physicochemical variation, residue mobility, and thermodynamic stability) performed at Invitae indicates that this missense variant is expected to disrupt DCTN1 protein function. This variant has not been reported in the literature in individuals affected with DCTN1-related conditions. This variant is not present in population databases (gnomAD no frequency). This sequence change replaces arginine, which is basic and polar, with tryptophan, which is neutral and slightly polar, at codon 378 of the DCTN1 protein (p.Arg378Trp).

NM_004082.5(DCTN1):c.1132C>T (p.Arg378Trp)

Gene: DCTN1 (dynactin subunit 1; minus strand). Cytogenetic location: 2p13.1.
Variant type: single nucleotide variant.
Coding change: c.1132C>T on transcript NM_004082.5 (MANE Select); coding-DNA position 1132, C replaced by T.
Protein change: p.Arg378Trp; replaces arginine 378 with tryptophan.
Molecular consequence: missense variant. On other transcripts: non-coding transcript variant (1).
Genome position (GRCh38, 1-based): chr2:74,370,341, G>A on the plus strand (C>T on the coding strand, the complement: DCTN1 is on the minus strand). VCF-style: chr2-74370341-G-A. GRCh37 (hg19) VCF-style: chr2-74597468-G-A.
Other names: c.1072C>T, p.Arg358Trp (NM_001135040.3); c.730C>T, p.Arg244Trp (NM_001135041.3, NM_023019.4); c.1021C>T, p.Arg341Trp (NM_001190836.2); c.1111C>T, p.Arg371Trp (NM_001190837.2); c.1081C>T, p.Arg361Trp (NM_001378991.1); c.1063C>T, p.Arg355Trp (NM_001378992.1); short protein forms R371W, R244W, R361W, R358W, R378W, R341W, R355W.
Identifiers: ClinVar variation 2937379 (VCV002937379.4), dbSNP rs755703744, ClinGen allele CA1722227.
Genomic context (GRCh38, chr2:74,370,341, plus strand): 5'-TCTTTTCCATGAGCTTCTGGAGCTTCACATGCTCCTGCTTCTCTGAGGAAGAAAGATCCC[G>A]CATCCTGCAGGGATGTGAGGAAGGCAGAAGGAGGAAAGCACGTGTCAGAGTCTCTGGCGA-3'
Protein context (NP_004073.2, residues 368-388): ARLKDALVRM[Arg378Trp]DLSSSEKQEH